The following is an entry in ClinVar:

NM_030962.4(SBF2):c.4203G>C (p.Glu1401Asp)

Genes: SBF2 (SET binding factor 2; minus strand), SBF2-AS1 (SBF2 antisense RNA 1; plus strand). Cytogenetic location: 11p15.4.
Variant type: single nucleotide variant.
Coding change: c.4203G>C on transcript NM_030962.4 (MANE Select); coding-DNA position 4203, G replaced by C.
Protein change: p.Glu1401Asp; replaces glutamic acid 1401 with aspartic acid.
Molecular consequence: missense variant. On other transcripts: non-coding transcript variant (1).
Genome position (GRCh38, 1-based): chr11:9,808,955, C>G on the plus strand (G>C on the coding strand, the complement: SBF2 is on the minus strand). VCF-style: chr11-9808955-C-G. GRCh37 (hg19) VCF-style: chr11-9830502-C-G.
Other names: c.4299G>C, p.Glu1433Asp (NM_001386339.1); c.4074G>C, p.Glu1358Asp (NM_001386342.1); short protein forms E1401D, E1358D, E1433D.
Identifiers: ClinVar variation 1007404 (VCV001007404.9), dbSNP rs750353766, ClinGen allele CA5881022.

ClinVar aggregate classification (germline): Uncertain significance (1 of 4 stars; one submission).

Conditions:
Charcot-Marie-Tooth disease type 4. Also called: Charcot-Marie-Tooth disease, type IV; Charcot-Marie-Tooth, Type 4. Identifiers: Orphanet 64749, MedGen C4082197, MONDO:0018995.

Allele frequency attached by ClinVar (database versions not stated): gnomAD exomes below 0.00001; ExAC 0.00001.
gnomAD v4.1: 1 of 1,614,046 alleles (0.000062%); highest among the groups gnomAD compares: Non-Finnish European, 0.000085%; no homozygotes.

Submission:

Labcorp Genetics (formerly Invitae), Labcorp
Classification: Uncertain significance for Charcot-Marie-Tooth disease type 4. Last evaluated: 2020-10-27. Review status: criteria provided, single submitter. Criteria: Invitae Variant Classification Sherloc (09022015). Collection method: clinical testing. Allele origin: germline.
Comment: This sequence change replaces glutamic acid with aspartic acid at codon 1401 of the SBF2 protein (p.Glu1401Asp). The glutamic acid residue is moderately conserved and there is a small physicochemical difference between glutamic acid and aspartic acid. In summary, the available evidence is currently insufficient to determine the role of this variant in disease. Therefore, it has been classified as a Variant of Uncertain Significance. Algorithms developed to predict the effect of missense changes on protein structure and function (SIFT, PolyPhen-2, Align-GVGD) all suggest that this variant is likely to be tolerated, but these predictions have not been confirmed by published functional studies and their clinical significance is uncertain. This variant has not been reported in the literature in individuals with SBF2-related conditions. This variant is present in population databases (rs750353766, ExAC 0.001%).